The following is an entry in ClinVar:

NM_001199397.3(NEK1):c.3840C>G (p.Tyr1280Ter)

Gene: NEK1 (NIMA related kinase 1; minus strand). Cytogenetic location: 4q33.
Variant type: single nucleotide variant.
Coding change: c.3840C>G on transcript NM_001199397.3 (MANE Select); coding-DNA position 3840, C replaced by G.
Protein change: p.Tyr1280Ter; replaces tyrosine 1280 with a stop codon.
Molecular consequence: nonsense. On other transcripts: non-coding transcript variant (1).
Genome position (GRCh38, 1-based): chr4:169,400,232, G>C on the plus strand (C>G on the coding strand, the complement: NEK1 is on the minus strand). VCF-style: chr4-169400232-G-C. GRCh37 (hg19) VCF-style: chr4-170321383-G-C.
Other names: c.3708C>G, p.Tyr1236Ter (NM_001199398.3); c.3549C>G, p.Tyr1183Ter (NM_001199399.3); c.3624C>G, p.Tyr1208Ter (NM_001199400.3); c.3840C>G, p.Tyr1280Ter (NM_001374418.1); c.3756C>G, p.Tyr1252Ter (NM_001374419.1, NM_012224.4); c.3705C>G, p.Tyr1235Ter (NM_001374420.1); c.3357C>G, p.Tyr1119Ter (NM_001374421.1); c.3663C>G, p.Tyr1221Ter (NM_001440620.1); and 5 more; short protein forms Y1001*, Y1045*, Y1119*, Y1149*, Y1177*, Y1183*, Y1193*, Y1208*.
Identifiers: ClinVar variation 4529909 (VCV004529909.1).
Genomic context (GRCh38, chr4:169,400,232, plus strand): 5'-CTTGTTTTTCTCACATTTACTGAAAATTATACAGACATGTGAGGAAATCTTACCTTCTTG[G>C]TAGGCTCCATCTGCCATGACTAAATGAAGAATCTTGGCATAAAGATGCTGATGTTCATTT-3'

ClinVar aggregate classification (germline): Uncertain significance (1 of 4 stars; one submission).

Submission:

GeneDx
Classification: Uncertain significance. Last evaluated: 2025-05-12. Review status: criteria provided, single submitter. Criteria: GeneDx Variant Classification Process June 2021. Collection method: clinical testing. Allele origin: germline. Affected: yes.
Comment: Not observed at significant frequency in large population cohorts (gnomAD); Has not been previously published as pathogenic or benign to our knowledge; Nonsense variant predicted to result in protein truncation as the last 7 amino acid(s) are lost with an unclear effect on protein function